The following is an entry in ClinVar:

NM_006070.6(TFG):c.1132C>G (p.Pro378Ala)

Gene: TFG (trafficking from ER to golgi regulator; plus strand). Cytogenetic location: 3q12.2.
Variant type: single nucleotide variant.
Coding change: c.1132C>G on transcript NM_006070.6 (MANE Select); coding-DNA position 1132, C replaced by G.
Protein change: p.Pro378Ala; replaces proline 378 with alanine.
Molecular consequence: missense variant.
Genome position (GRCh38, 1-based): chr3:100,748,460, C>G. VCF-style: chr3-100748460-C-G. GRCh37 (hg19) VCF-style: chr3-100467304-C-G.
Other names: c.1132C>G, p.Pro378Ala (NM_001007565.2, NM_001195478.2); c.1120C>G, p.Pro374Ala (NM_001195479.2); short protein forms P374A, P378A.
Identifiers: ClinVar variation 3342020 (VCV003342020.16).

ClinVar aggregate classification (germline): Uncertain significance (1 of 4 stars; one submission).

gnomAD v4.1: 2 of 1,614,082 alleles (0.00012%); highest among the groups gnomAD compares: Non-Finnish European, 0.00017%; no homozygotes.

Submission:

CeGaT Center for Human Genetics Tuebingen
Classification: Uncertain significance. Last evaluated: 2024-08-01. Review status: criteria provided, single submitter. Criteria: CeGaT Center For Human Genetics Tuebingen Variant Classification Criteria Version 2. Collection method: clinical testing. Allele origin: germline. Affected: yes. Observed: 1 variant allele.
Comment: TFG: PM2, BP4